The following is an entry in ClinVar:

ClinVar aggregate classification (germline): Benign/Likely benign. Review status: criteria provided, multiple submitters, no conflicts (2 of 4 stars). 2 submissions from 2 submitters: Benign (1); Likely benign (1). Last evaluated 2025-12-22.

Allele frequency attached by ClinVar (database versions not stated): 1000 Genomes Project 30x 0.00016; ExAC 0.00024.
gnomAD v4.1: 223 of 1,535,810 alleles (0.015%); highest among the groups gnomAD compares: Admixed American, 0.031%; 1 homozygote.

Submissions (2):

Labcorp Genetics (formerly Invitae), Labcorp
Classification: Benign. Last evaluated: 2025-12-22. Review status: criteria provided, single submitter. Criteria: Invitae Variant Classification Sherloc (09022015). Collection method: clinical testing. Allele origin: germline.

Mayo Clinic Laboratories, Mayo Clinic
Classification: Likely benign. Last evaluated: 2025-10-20. Review status: criteria provided, single submitter. Criteria: ACMG Guidelines, 2015. Collection method: clinical testing. Allele origin: germline. Observed: 2 variant alleles.
Comment: BP4, BP7

NM_001142864.4(PIEZO1):c.900C>T (p.His300=)

Genes: HSALR1 (HSP90AB1 associated lncRNA 1; plus strand), PIEZO1 (piezo type mechanosensitive ion channel component 1 (Er blood group); minus strand). Cytogenetic location: 16q24.3.
Variant type: single nucleotide variant.
Coding change: c.900C>T on transcript NM_001142864.4 (MANE Select); coding-DNA position 900, C replaced by T.
Protein change: p.His300=; no amino-acid change (histidine 300 retained).
Molecular consequence: synonymous variant. On other transcripts: non-coding transcript variant (1).
Genome position (GRCh38, 1-based): chr16:88,738,054, G>A on the plus strand (C>T on the coding strand, the complement: PIEZO1 is on the minus strand). VCF-style: chr16-88738054-G-A. GRCh37 (hg19) VCF-style: chr16-88804462-G-A.
Other names: p.His300=.
Identifiers: ClinVar variation 2073157 (VCV002073157.5), dbSNP rs566585209, ClinGen allele CA8233172.
Genomic context (GRCh38, chr16:88,738,054, plus strand): 5'-CAGGAGGACGCCGGGGCTGGCATACACAGGCCAGTCCAGGCCGGTGTTGAGGACCAGCGC[G>A]TGGGGGCTGGAGCAGTTGGTGGGACCCACGAAGTCCTTGAGACCCAGCACCCTGTCCAGA-3'
Protein context (NP_001136336.2, residues 290-310): FVGPTNCSSP[His300=]ALVLNTGLDW